The following is an entry in ClinVar:

ClinVar aggregate classification (germline): Likely benign. Review status: criteria provided, multiple submitters, no conflicts (2 of 4 stars). 2 submissions from 2 submitters: Likely benign (2). Last evaluated 2026-06-01.

gnomAD v4.1: 25 of 1,426,246 alleles (0.0018%); highest among the groups gnomAD compares: South Asian, 0.028%; no homozygotes.

Submissions (2):

CeGaT Center for Human Genetics Tuebingen
Classification: Likely benign. Last evaluated: 2026-06-01. Review status: criteria provided, single submitter. Criteria: CeGaT Center For Human Genetics Tuebingen Variant Classification Criteria Version 2. Collection method: clinical testing. Allele origin: germline. Affected: yes. Observed: 1 variant allele.
Comment: ATP2B2: BP4

Labcorp Genetics (formerly Invitae), Labcorp
Classification: Likely benign. Last evaluated: 2024-10-25. Review status: criteria provided, single submitter. Criteria: Invitae Variant Classification Sherloc (09022015). Collection method: clinical testing. Allele origin: germline.

NM_001001331.4(ATP2B2):c.2340G>A (p.Lys780=)

Gene: ATP2B2 (ATPase plasma membrane Ca2+ transporting 2; minus strand). Cytogenetic location: 3p25.3.
Variant type: single nucleotide variant.
Coding change: c.2340G>A on transcript NM_001001331.4 (MANE Select); coding-DNA position 2340, G replaced by A.
Protein change: p.Lys780=; no amino-acid change (lysine 780 retained).
Molecular consequence: synonymous variant.
Genome position (GRCh38, 1-based): chr3:10,350,176, C>T on the plus strand (G>A on the coding strand, the complement: ATP2B2 is on the minus strand). VCF-style: chr3-10350176-C-T. GRCh37 (hg19) VCF-style: chr3-10391860-C-T.
Other names: c.2205G>A, p.Lys735= (NM_001330611.3, NM_001353564.1, NM_001363862.1 and 1 more transcripts).
Identifiers: ClinVar variation 3609465 (VCV003609465.4).
Genomic context (GRCh38, chr3:10,350,176, plus strand): 5'-AACCAGGGTATGCTTGTCCGTTGGGGAGGAGCGAGCCAGCACCCGCAGCTTTGGCCAGAT[C>T]TTGTCAATTCGCTCCTGCTCAATCTGGAGAGGGATGGGGAAGGGGGCGGGTCGGTGGGGT-3'
Protein context (NP_001001331.1, residues 770-790): KGEIEQERID[Lys780=]IWPKLRVLAR